The following is an entry in ClinVar:

NM_001447.3(FAT2):c.12568C>T (p.Arg4190Cys)

Genes: FAT2 (FAT atypical cadherin 2; minus strand), SLC36A1 (solute carrier family 36 member 1; plus strand). Cytogenetic location: 5q33.1.
Variant type: single nucleotide variant.
Coding change: c.12568C>T on transcript NM_001447.3 (MANE Select); coding-DNA position 12568, C replaced by T.
Protein change: p.Arg4190Cys; replaces arginine 4190 with cysteine.
Molecular consequence: missense variant.
Genome position (GRCh38, 1-based): chr5:151,506,047, G>A on the plus strand (C>T on the coding strand, the complement: FAT2 is on the minus strand). VCF-style: chr5-151506047-G-A. GRCh37 (hg19) VCF-style: chr5-150885608-G-A.
Other names: short protein forms R4190C.
Identifiers: ClinVar variation 3643679 (VCV003643679.2).
Genomic context (GRCh38, chr5:151,506,047, plus strand): 5'-GGCGGTGAGCCGAGGGCGGCAGAGGGCCCTGAGTCACTTCGGAGTGGGGGTATTCCCAGC[G>A]TTCGTTCCTGGAGTAAGTAGGGGGCCAGACCATGGCTCCGCCAGGGTACACTGAAAGGGA-3'
Protein context (NP_001438.1, residues 4180-4200): VWPPTYSRNE[Arg4190Cys]WEYPHSEVTQ

ClinVar aggregate classification (germline): Uncertain significance (1 of 4 stars; one submission).

gnomAD v4.1: 131 of 1,559,840 alleles (0.0084%); highest among the groups gnomAD compares: Non-Finnish European, 0.01%; no homozygotes.

Submission:

Labcorp Genetics (formerly Invitae), Labcorp
Classification: Uncertain significance. Last evaluated: 2025-09-02. Review status: criteria provided, single submitter. Criteria: Invitae Variant Classification Sherloc (09022015). Collection method: clinical testing. Allele origin: germline.
Comment: This sequence change replaces arginine, which is basic and polar, with cysteine, which is neutral and slightly polar, at codon 4190 of the FAT2 protein (p.Arg4190Cys). This variant is present in population databases (rs199958913, gnomAD 0.04%). This variant has not been reported in the literature in individuals affected with FAT2-related conditions. ClinVar contains an entry for this variant (Variation ID: 3643679). An algorithm developed to predict the effect of missense changes on protein structure and function outputs the following: PolyPhen-2: "Benign". The cysteine amino acid residue is found in multiple mammalian species, which suggests that this missense change does not adversely affect protein function. In summary, the available evidence is currently insufficient to determine the role of this variant in disease. Therefore, it has been classified as a Variant of Uncertain Significance.